The following is an entry in ClinVar:

ClinVar aggregate classification (germline): Likely benign. Review status: criteria provided, multiple submitters, no conflicts (2 of 4 stars). 2 submissions from 2 submitters: Likely benign (2). Last evaluated 2026-01-01.

Conditions:
MHC class II deficiency. Also called: Bare lymphocyte syndrome 2; BLS, TYPE II. Identifiers: Orphanet 572, MedGen C5447452, MONDO:0008855.

Allele frequency attached by ClinVar (database versions not stated): TOPMed 0.00001.
gnomAD v4.1: 12 of 1,614,102 alleles (0.00074%); highest among the groups gnomAD compares: Middle Eastern, 0.016%; no homozygotes.

Submissions (2):

CeGaT Center for Human Genetics Tuebingen
Classification: Likely benign. Last evaluated: 2026-01-01. Review status: criteria provided, single submitter. Criteria: CeGaT Center For Human Genetics Tuebingen Variant Classification Criteria Version 2. Collection method: clinical testing. Allele origin: germline. Affected: yes. Observed: 1 variant allele.
Comment: CIITA: BP4, BP7

Labcorp Genetics (formerly Invitae), Labcorp
Classification: Likely benign for MHC class II deficiency. Last evaluated: 2023-11-13. Review status: criteria provided, single submitter. Criteria: Invitae Variant Classification Sherloc (09022015). Collection method: clinical testing. Allele origin: germline.

NM_000246.4(CIITA):c.3066G>A (p.Leu1022=)

Gene: CIITA (class II major histocompatibility complex transactivator; plus strand). Cytogenetic location: 16p13.13.
Variant type: single nucleotide variant.
Coding change: c.3066G>A on transcript NM_000246.4 (MANE Select); coding-DNA position 3066, G replaced by A.
Protein change: p.Leu1022=; no amino-acid change (leucine 1022 retained).
Molecular consequence: synonymous variant. On other transcripts: non-coding transcript variant (1).
Genome position (GRCh38, 1-based): chr16:10,918,443, G>A. VCF-style: chr16-10918443-G-A. GRCh37 (hg19) VCF-style: chr16-11012300-G-A.
Other names: c.3069G>A, p.Leu1023= (NM_001286402.1, NM_001379332.1); c.1314G>A, p.Leu438= (NM_001286403.2); c.2922G>A, p.Leu974= (NM_001379330.1); c.2919G>A, p.Leu973= (NM_001379331.1); c.3066G>A, p.Leu1022= (NM_001379333.1); c.2997G>A, p.Leu999= (NM_001379334.1).
Identifiers: ClinVar variation 1155051 (VCV001155051.13), dbSNP rs775514166, ClinGen allele CA493577988.
Genomic context (GRCh38, chr16:10,918,443, plus strand): 5'-TCAAAGTGAGGCATGCAAGTTTGGTCCTGAGCCCTCCCCCTCACTGTGTCCCCGCAGTCT[G>A]TCCCAGAACAACATCACTGACCTGGGTGCCTACAAACTCGCCGAGGCCCTGCCTTCGCTC-3'
Protein context (NP_000237.2, residues 1012-1032): PQLKSLETLN[Leu1022=]SQNNITDLGA